The following is an entry in ClinVar:

NM_006096.4(NDRG1):c.518_521dup (p.Trp175fs)

Gene: NDRG1 (N-myc downstream regulated 1; minus strand). Cytogenetic location: 8q24.22.
Variant type: Microsatellite.
Coding change: c.518_521dup on transcript NM_006096.4 (MANE Select); coding-DNA positions 518 to 521, 4 bases duplicated (TGGA; older notation c.518_521dupTGGA).
Protein change: p.Trp175fs; shifts the reading frame from tryptophan 175.
Molecular consequence: frameshift variant.
Genome position (GRCh38, 1-based): chr8:133,256,793-133,256,796, TCCA duplicated on the plus strand (TGGA on the coding strand, the reverse complement: NDRG1 is on the minus strand); duplicating any 4 consecutive bases within chr8:133,256,793-133,256,800 gives the same sequence; the c. name uses the placement nearest the transcript's 3' end. VCF-style (leftmost placement, unchanged base first): chr8-133256792-G-GTCCA. GRCh37 (hg19) VCF-style: chr8-134269035-G-GTCCA.
Other names: c.518_521dup, p.Trp175fs (NM_001135242.2, NM_001374844.1, NM_001374845.1 and 1 more transcripts); c.320_323dup, p.Trp109fs (NM_001258432.2, NM_001374847.1); c.275_278dup, p.Trp94fs (NM_001258433.2); short protein forms W94fs, W109fs, W175fs.
Identifiers: ClinVar variation 1458165 (VCV001458165.6), dbSNP rs2130719686, ClinGen allele CA2580617233.

ClinVar aggregate classification (germline): Pathogenic (1 of 4 stars; one submission).

Conditions:
Charcot-Marie-Tooth disease type 4. Also called: Charcot-Marie-Tooth disease, type IV; Charcot-Marie-Tooth, Type 4. Identifiers: Orphanet 64749, MedGen C4082197, MONDO:0018995.

Submission:

Labcorp Genetics (formerly Invitae), Labcorp
Classification: Pathogenic for Charcot-Marie-Tooth disease type 4. Last evaluated: 2021-02-11. Review status: criteria provided, single submitter. Criteria: Invitae Variant Classification Sherloc (09022015). Collection method: clinical testing. Allele origin: germline.
Comment: For these reasons, this variant has been classified as Pathogenic. This variant has not been reported in the literature in individuals with NDRG1-related conditions. This variant is not present in population databases (ExAC no frequency). This sequence change creates a premature translational stop signal (p.Trp175Glyfs*31) in the NDRG1 gene. It is expected to result in an absent or disrupted protein product. Loss-of-function variants in NDRG1 are known to be pathogenic (PMID: 12872253, 23996628).

Literature cited by the submitters: PubMed 12872253; PubMed 23996628.